The following is an entry in ClinVar:

ClinVar aggregate classification (germline): Likely benign. Review status: criteria provided, multiple submitters, no conflicts (2 of 4 stars). 2 submissions from 2 submitters: Likely benign (2). Last evaluated 2023-12-21.

Allele frequency attached by ClinVar (database versions not stated): TOPMed 0.00001.

Submissions (2):

Labcorp Genetics (formerly Invitae), Labcorp
Classification: Likely benign. Last evaluated: 2023-12-21. Review status: criteria provided, single submitter. Criteria: Invitae Variant Classification Sherloc (09022015). Collection method: clinical testing. Allele origin: germline.

CeGaT Center for Human Genetics Tuebingen
Classification: Likely benign. Last evaluated: 2023-01-01. Review status: criteria provided, single submitter. Criteria: CeGaT Center For Human Genetics Tuebingen Variant Classification Criteria Version 2. Collection method: clinical testing. Allele origin: germline. Affected: yes. Observed: 1 variant allele.
Comment: CLCN4: PM2:Supporting, BP4, BP7

NM_001830.4(CLCN4):c.741G>A (p.Lys247=)

Gene: CLCN4 (Cl-/H+ antiporter 4; plus strand). Cytogenetic location: Xp22.2.
Variant type: single nucleotide variant.
Coding change: c.741G>A on transcript NM_001830.4 (MANE Select); coding-DNA position 741, G replaced by A.
Protein change: p.Lys247=; no amino-acid change (lysine 247 retained).
Molecular consequence: synonymous variant.
Genome position (GRCh38, 1-based): chrX:10,206,543, G>A. VCF-style: chrX-10206543-G-A. GRCh37 (hg19) VCF-style: chrX-10174583-G-A.
Other names: c.459G>A, p.Lys153= (NM_001256944.2).
Identifiers: ClinVar variation 2659972 (VCV002659972.27), dbSNP rs1441463929, ClinGen allele CA515227606.